The following is an entry in ClinVar:

NM_000051.4(ATM):c.3828A>T (p.Gln1276His)

Gene: ATM (ATM serine/threonine kinase; plus strand). Cytogenetic location: 11q22.3.
Variant type: single nucleotide variant.
Coding change: c.3828A>T on transcript NM_000051.4 (MANE Select); coding-DNA position 3828, A replaced by T.
Protein change: p.Gln1276His; replaces glutamine 1276 with histidine.
Molecular consequence: missense variant.
Genome position (GRCh38, 1-based): chr11:108,284,308, A>T. VCF-style: chr11-108284308-A-T. GRCh37 (hg19) VCF-style: chr11-108155035-A-T.
Other names: c.3828A>T, p.Gln1276His (NM_001351834.2); short protein forms Q1276H.
Identifiers: ClinVar variation 3768713 (VCV003768713.2).

ClinVar aggregate classification (germline): Conflicting classifications of pathogenicity. Review status: criteria provided, conflicting classifications (1 of 4 stars). 2 submissions from 2 submitters: Uncertain significance (1); Likely benign (1). Last evaluated 2026-08-13.

Conditions:
Hereditary cancer-predisposing syndrome. Also called: Tumor predisposition; Hereditary neoplastic syndrome; Hereditary Cancer Syndrome; Neoplastic Syndromes, Hereditary. Identifiers: Orphanet 140162, MedGen C0027672, MeSH D009386, MONDO:0015356.

Submissions (2):

Ambry Genetics
Classification: Likely benign for Hereditary cancer-predisposing syndrome. Last evaluated: 2026-08-13. Review status: criteria provided, single submitter. Criteria: Ambry Variant Classification Scheme 2023. Collection method: clinical testing. Allele origin: germline.

Women's Health and Genetics/Laboratory Corporation of America, LabCorp
Classification: Uncertain significance. Last evaluated: 2025-02-06. Review status: criteria provided, single submitter. Criteria: LabCorp Variant Classification Summary - May 2015. Collection method: clinical testing. Allele origin: germline.
Comment: Variant summary: ATM c.3828A>T (p.Gln1276His) results in a non-conservative amino acid change in the encoded protein sequence. Three of five in-silico tools predict a benign effect of the variant on protein function. The variant was absent in 251288 control chromosomes. The available data on variant occurrences in the general population are insufficient to allow any conclusion about variant significance. To our knowledge, no occurrence of c.3828A>T in individuals affected with Breast Cancer and no experimental evidence demonstrating its impact on protein function have been reported. No submitters have cited clinical-significance assessments for this variant to ClinVar. Based on the evidence outlined above, the variant was classified as uncertain significance.

Literature cited by the submitters: PubMed 40580951 (cited by Ambry Genetics).